The following is an entry in ClinVar:

ClinVar aggregate classification (germline): Uncertain significance. Review status: criteria provided, multiple submitters, no conflicts (2 of 4 stars). 2 submissions from 2 submitters: Uncertain significance (2). Last evaluated 2025-06-22.

Conditions:
VWF-related disorder. Also called: VWF-related disorders; VWF-related condition.

gnomAD v4.1: 56 of 1,614,018 alleles (0.0035%); highest among the groups gnomAD compares: Middle Eastern, 0.016%; no homozygotes.

Submissions (2):

PreventionGenetics, part of Exact Sciences
Classification: Uncertain significance for VWF-related condition. Last evaluated: 2025-06-22. Review status: criteria provided, single submitter. Criteria: ACMG Guidelines, 2015. Collection method: clinical testing. Allele origin: germline.
Comment: The VWF c.6352C>T variant is predicted to result in the amino acid substitution p.Arg2118Trp. This variant has been reported in individuals with Von Willebrand disease (Table ST3.4, Borràs et al. 2017. PubMed ID: 28971901; Table S3, Stefanucci et al. 2023. PubMed ID: 37647632). This variant is reported in 0.015% of alleles in individuals of East Asian descent in gnomAD. At this time, the clinical significance of this variant is uncertain due to the absence of conclusive functional and genetic evidence.

Quest Diagnostics Nichols Institute San Juan Capistrano
Classification: Uncertain significance. Last evaluated: 2025-04-17. Review status: criteria provided, single submitter. Criteria: Quest Diagnostics criteria. Collection method: clinical testing. Allele origin: unknown.
Comment: The VWF c.6352C>T (p.Arg2118Trp) variant has been reported in an individual with Type 1 VWD (PMID: 28971901 (2017)). The frequency of this variant in the general population (Genome Aggregation Database) is uninformative in the assessment of its pathogenicity. Analysis of this variant using bioinformatics tools for the prediction of the effect of amino acid changes on protein structure and function yielded conflicting predictions that this variant is deleterious or benign. Based on the available information, we are unable to determine the clinical significance of this variant.

Literature cited by the submitters: PubMed 37647632 (cited by Quest Diagnostics Nichols Institute San Juan Capistrano); PubMed 37845247 (cited by Quest Diagnostics Nichols Institute San Juan Capistrano); PubMed 28971901 (cited by Quest Diagnostics Nichols Institute San Juan Capistrano); PubMed 26245874 (cited by Quest Diagnostics Nichols Institute San Juan Capistrano).

NM_000552.5(VWF):c.6352C>T (p.Arg2118Trp)

Gene: VWF (von Willebrand factor; minus strand). Cytogenetic location: 12p13.31.
Variant type: single nucleotide variant.
Coding change: c.6352C>T on transcript NM_000552.5 (MANE Select); coding-DNA position 6352, C replaced by T.
Protein change: p.Arg2118Trp; replaces arginine 2118 with tryptophan.
Molecular consequence: missense variant.
Genome position (GRCh38, 1-based): chr12:5,994,108, G>A on the plus strand (C>T on the coding strand, the complement: VWF is on the minus strand). VCF-style: chr12-5994108-G-A. GRCh37 (hg19) VCF-style: chr12-6103274-G-A.
Other names: c.6352C>T (NM_000552.4); short protein forms R2118W.
Identifiers: ClinVar variation 4533017 (VCV004533017.2).